The following is an entry in ClinVar:

ClinVar aggregate classification (germline): Likely benign. Review status: criteria provided, multiple submitters, no conflicts (2 of 4 stars). 3 submissions from 3 submitters: Likely benign (3). Last evaluated 2025-12-24.

Conditions:
USH2A-related disorder. Also called: USH2A-related condition; USH2A-related disorders. Identifiers: MedGen CN239332.

Allele frequency attached by ClinVar (database versions not stated): ESP Exome Variant Server 0.00015; gnomAD 0.00015; TOPMed 0.00015; 1000 Genomes Project 30x 0.00016; 1000 Genomes Project 0.00020.
gnomAD v4.1: 220 of 1,611,748 alleles (0.014%); highest among the groups gnomAD compares: Non-Finnish European, 0.017%; no homozygotes.

Submissions (3):

Labcorp Genetics (formerly Invitae), Labcorp
Classification: Likely benign. Last evaluated: 2025-12-24. Review status: criteria provided, single submitter. Criteria: Invitae Variant Classification Sherloc (09022015). Collection method: clinical testing. Allele origin: germline.

PreventionGenetics, part of Exact Sciences
Classification: Likely benign for USH2A-related condition. Last evaluated: 2024-11-19. Review status: criteria provided, single submitter. Criteria: ACMG Guidelines, 2015. Collection method: clinical testing. Allele origin: germline.
Comment: This variant is classified as likely benign based on ACMG/AMP sequence variant interpretation guidelines (Richards et al. 2015 PMID: 25741868, with internal and published modifications).

Blueprint Genetics
Classification: Likely benign. Last evaluated: 2024-09-20. Review status: criteria provided, single submitter. Criteria: ACMG Guidelines, 2015. Collection method: clinical testing. Allele origin: germline.

NM_206933.4(USH2A):c.4396+19A>G

Gene: USH2A (usherin; minus strand). Cytogenetic location: 1q41.
Variant type: single nucleotide variant.
Coding change: c.4396+19A>G on transcript NM_206933.4 (MANE Select); 19 bases into the intron after coding-DNA position 4396, A replaced by G.
Molecular consequence: intron variant.
Genome position (GRCh38, 1-based): chr1:216,190,204, T>C on the plus strand (A>G on the coding strand, the complement: USH2A is on the minus strand). VCF-style: chr1-216190204-T-C. GRCh37 (hg19) VCF-style: chr1-216363546-T-C.
Other names: c.4396+19A>G (NM_007123.6, NM_206933.2).
Identifiers: ClinVar variation 1149777 (VCV001149777.11), dbSNP rs200067924, ClinGen allele CA1395733.
Genomic context (GRCh38, chr1:216,190,204, plus strand): 5'-AGTAGAGAAGGTGTTGAATATTATAAGTTTTTTTTCTTGATAGGCAACAGATTTTTCATA[T>C]CCATTAAAACTTGCTTACCTGCTGCTAAAGTTTGTCCTGCTCCCGAAGCACTGGTCACAC-3'